The following is an entry in ClinVar:

ClinVar aggregate classification (germline): Conflicting classifications of pathogenicity. Review status: criteria provided, conflicting classifications (1 of 4 stars). 2 submissions from 2 submitters: Likely pathogenic (1); Uncertain significance (1). Last evaluated 2025-07-01.

Conditions:
Early-infantile DEE. Also called: Early infantile epileptic encephalopathy; Ohtahara syndrome; Early infantile epileptic encephalopathy with suppression bursts. Identifiers: Orphanet 1934, MedGen C0393706, MONDO:0800491.

Submissions (2):

CeGaT Center for Human Genetics Tuebingen
Classification: Uncertain significance. Last evaluated: 2025-07-01. Review status: criteria provided, single submitter. Criteria: CeGaT Center For Human Genetics Tuebingen Variant Classification Criteria Version 2. Collection method: clinical testing. Allele origin: germline. Affected: yes. Observed: 1 variant allele.
Comment: SCN1A: PM2, PM5:Supporting

Labcorp Genetics (formerly Invitae), Labcorp
Classification: Likely pathogenic for Early-infantile DEE. Last evaluated: 2025-02-17. Review status: criteria provided, single submitter. Criteria: Invitae Variant Classification Sherloc (09022015). Collection method: clinical testing. Allele origin: germline.
Comment: This sequence change replaces serine, which is neutral and polar, with phenylalanine, which is neutral and non-polar, at codon 1594 of the SCN1A protein (p.Ser1594Phe). This variant is not present in population databases (gnomAD no frequency). This variant has not been reported in the literature in individuals affected with SCN1A-related conditions. Invitae Evidence Modeling of protein sequence and biophysical properties (such as structural, functional, and spatial information, amino acid conservation, physicochemical variation, residue mobility, and thermodynamic stability) indicates that this missense variant is expected to disrupt SCN1A protein function with a positive predictive value of 95%. This variant disrupts the p.Ser1594 amino acid residue in SCN1A. Other variant(s) that disrupt this residue have been determined to be pathogenic (internal data). This suggests that this residue is clinically significant, and that variants that disrupt this residue are likely to be disease-causing. In summary, the currently available evidence indicates that the variant is pathogenic, but additional data are needed to prove that conclusively. Therefore, this variant has been classified as Likely Pathogenic.

NM_001165963.4(SCN1A):c.4781C>T (p.Ser1594Phe)

Genes: SCN1A (sodium voltage-gated channel alpha subunit 1; minus strand), LOC102724058 (uncharacterized LOC102724058; plus strand). Cytogenetic location: 2q24.3.
Variant type: single nucleotide variant.
Coding change: c.4781C>T on transcript NM_001165963.4 (MANE Select); coding-DNA position 4781, C replaced by T.
Protein change: p.Ser1594Phe; replaces serine 1594 with phenylalanine.
Molecular consequence: missense variant. On other transcripts: non-coding transcript variant (1).
Genome position (GRCh38, 1-based): chr2:165,994,217, G>A on the plus strand (C>T on the coding strand, the complement: SCN1A is on the minus strand). VCF-style: chr2-165994217-G-A. GRCh37 (hg19) VCF-style: chr2-166850727-G-A.
Other names: c.4697C>T, p.Ser1566Phe (NM_001165964.3, NM_001353957.2, NM_001353958.2); c.4781C>T, p.Ser1594Phe (NM_001202435.3, NM_001353948.2); c.4748C>T, p.Ser1583Phe (NM_001353949.2, NM_001353950.2, NM_001353951.2 and 2 more transcripts); c.4745C>T, p.Ser1582Phe (NM_001353954.2, NM_001353955.2); c.4694C>T, p.Ser1565Phe (NM_001353960.2); c.2339C>T, p.Ser780Phe (NM_001353961.2); short protein forms S1565F, S1566F, S1582F, S1583F, S1594F, S780F.
Identifiers: ClinVar variation 4085402 (VCV004085402.9).
Genomic context (GRCh38, chr2:165,994,217, plus strand): 5'-AGAATGACAACCACAAAATCAAAAATATTCCATCCAATGGTAAAATAATAATGGCGTAGA[G>A]AGATGAGTTTCAGTACACACTCTCCAGTAAATAGCACAATGAACACCAGATTGATGCGTG-3'
Protein context (NP_001159435.1, residues 1584-1604): FTGECVLKLI[Ser1594Phe]LRHYYFTIGW